The following is an entry in ClinVar:

ClinVar aggregate classification (germline): Benign/Likely benign. Review status: criteria provided, multiple submitters, no conflicts (2 of 4 stars). 7 submissions from 6 submitters: Benign (3); Likely benign (3). 1 of the submissions does not count toward it. Last evaluated 2026-01-26.

Conditions:
VAPB-related disorder. Also called: VAPB-related condition.
Inborn genetic diseases. Identifiers: MedGen C0950123, MeSH D030342.
Amyotrophic lateral sclerosis type 8 (ALS8). Identifiers: Orphanet 803, MedGen C1837728, MONDO:0012077, OMIM 608627.
Adult-onset proximal spinal muscular atrophy, autosomal dominant. Also called: FINKEL LATE-ADULT TYPE SMA; Spinal muscular atrophy, late-onset, finkel type. Identifiers: Orphanet 209335, MedGen C1854058, MONDO:0008453, OMIM 182980.

Allele frequency attached by ClinVar (database versions not stated): 1000 Genomes Project 30x 0.00016; 1000 Genomes Project 0.00020; gnomAD exomes 0.00040 and 0.00098; gnomAD 0.00041 and 0.00044; ESP Exome Variant Server 0.00054; ExAC 0.00067; TOPMed 0.00077.
gnomAD v4.1: 708 of 1,614,092 alleles (0.044%); highest among the groups gnomAD compares: Admixed American, 0.13%; no homozygotes.

Submissions (7):

Labcorp Genetics (formerly Invitae), Labcorp
Classification: Benign for Adult-onset proximal spinal muscular atrophy, autosomal dominant; Amyotrophic lateral sclerosis type 8. Last evaluated: 2026-01-26. Review status: criteria provided, single submitter. Criteria: Invitae Variant Classification Sherloc (09022015). Collection method: clinical testing. Allele origin: germline.

Athena Diagnostics
Classification: Benign. Last evaluated: 2024-05-14. Review status: criteria provided, single submitter. Criteria: Athena Diagnostics Criteria. Collection method: clinical testing. Allele origin: unknown.

Ambry Genetics
Classification: Likely benign for Inborn genetic diseases. Last evaluated: 2021-11-10. Review status: criteria provided, single submitter. Criteria: Ambry Variant Classification Scheme 2023. Collection method: clinical testing. Allele origin: germline.

GeneDx
Classification: Benign. Last evaluated: 2019-12-18. Review status: criteria provided, single submitter. Criteria: GeneDx Variant Classification Process June 2021. Collection method: clinical testing. Allele origin: germline. Affected: yes.

Illumina Laboratory Services, Illumina
Classification: Likely benign for Adult-onset proximal spinal muscular atrophy, autosomal dominant. Last evaluated: 2018-01-13. Review status: criteria provided, single submitter. Criteria: ICSL Variant Classification Criteria 13 December 2019. Collection method: clinical testing. Allele origin: germline.
Comment: This variant was observed in the ICSL laboratory as part of a predisposition screen in an ostensibly healthy population. It had not been previously curated by ICSL or reported in the Human Gene Mutation Database (HGMD: prior to June 1st, 2018), and was therefore a candidate for classification through an automated scoring system. Utilizing variant allele frequency, disease prevalence and penetrance estimates, and inheritance mode, an automated score was calculated to assess if this variant is too frequent to cause the disease. Based on the score and internal cut-off values, a variant classified as likely benign is not then subjected to further curation. The score for this variant resulted in a classification of likely benign for this disease.

Illumina Laboratory Services, Illumina
Classification: Likely benign for Amyotrophic lateral sclerosis type 8. Last evaluated: 2018-01-13. Review status: criteria provided, single submitter. Criteria: ICSL Variant Classification Criteria 13 December 2019. Collection method: clinical testing. Allele origin: germline.
Comment: the same text as in the submission from Illumina Laboratory Services, Illumina above.

PreventionGenetics, part of Exact Sciences
Classification: Benign for VAPB-related condition. Last evaluated: 2019-04-01. Review status: no assertion criteria provided. Collection method: clinical testing. Allele origin: germline. Not counted in ClinVar's aggregate classification.
Comment: This variant is classified as benign based on ACMG/AMP sequence variant interpretation guidelines (Richards et al. 2015 PMID: 25741868, with internal and published modifications).

Literature cited by the submitters: PubMed 32385536 (cited by Athena Diagnostics).

NM_004738.5(VAPB):c.59-4A>G

Gene: VAPB (VAMP associated protein B and C; plus strand). Cytogenetic location: 20q13.32.
Variant type: single nucleotide variant.
Coding change: c.59-4A>G on transcript NM_004738.5 (MANE Select); 4 bases into the intron before coding-DNA position 59, A replaced by G.
Molecular consequence: intron variant.
Genome position (GRCh38, 1-based): chr20:58,418,207, A>G. VCF-style: chr20-58418207-A-G. GRCh37 (hg19) VCF-style: chr20-56993263-A-G.
Other names: c.59-4A>G (NM_001195677.2).
Identifiers: ClinVar variation 465876 (VCV000465876.26), dbSNP rs193136039, ClinGen allele CA9924168.